The following is an entry in ClinVar:

ClinVar aggregate classification (germline): Likely pathogenic (1 of 4 stars; one submission).

gnomAD v4.1: 2 of 1,540,584 alleles (0.00013%); highest among the groups gnomAD compares: Non-Finnish European, 0.00017%; no homozygotes.

Submission:

GeneDx
Classification: Likely pathogenic. Last evaluated: 2025-01-16. Review status: criteria provided, single submitter. Criteria: GeneDx Variant Classification Process June 2021. Collection method: clinical testing. Allele origin: germline. Affected: yes.
Comment: Reported with a second variant on the opposite allele (in trans) in a patient with Mainzer-Saldino syndrome in published literature (PMID: 30479745); Published functional studies demonstrate a damaging effect as this variant results in impaired intraflagella transport (PMID: 30479745); Not observed at significant frequency in large population cohorts (gnomAD); In silico analysis supports that this missense variant has a deleterious effect on protein structure/function; This variant is associated with the following publications: (PMID: 38318288, 30479745)

NM_014714.4(IFT140):c.2767T>G (p.Tyr923Asp)

Gene: IFT140 (intraflagellar transport 140; minus strand). Cytogenetic location: 16p13.3.
Variant type: single nucleotide variant.
Coding change: c.2767T>G on transcript NM_014714.4 (MANE Select); coding-DNA position 2767, T replaced by G.
Protein change: p.Tyr923Asp; replaces tyrosine 923 with aspartic acid.
Molecular consequence: missense variant.
Genome position (GRCh38, 1-based): chr16:1,525,888, A>C on the plus strand (T>G on the coding strand, the complement: IFT140 is on the minus strand). VCF-style: chr16-1525888-A-C. GRCh37 (hg19) VCF-style: chr16-1575889-A-C.
Other names: short protein forms Y923D.
Identifiers: ClinVar variation 4071565 (VCV004071565.1).